The following is an entry in ClinVar:

NM_003118.4(SPARC):c.187G>A (p.Glu63Lys)

Gene: SPARC (secreted protein acidic and cysteine rich; minus strand). Cytogenetic location: 5q33.1.
Variant type: single nucleotide variant.
Coding change: c.187G>A on transcript NM_003118.4 (MANE Select); coding-DNA position 187, G replaced by A.
Protein change: p.Glu63Lys; replaces glutamic acid 63 with lysine.
Molecular consequence: missense variant.
Genome position (GRCh38, 1-based): chr5:151,673,150, C>T on the plus strand (G>A on the coding strand, the complement: SPARC is on the minus strand). VCF-style: chr5-151673150-C-T. GRCh37 (hg19) VCF-style: chr5-151052711-C-T.
Other names: p.Glu63Lys; c.184G>A, p.Glu62Lys (NM_001309443.2); c.187G>A, p.Glu63Lys (NM_001309444.2); short protein forms E62K, E63K.
Identifiers: ClinVar variation 1653930 (VCV001653930.50), dbSNP rs113617771, ClinGen allele CA3522788.

ClinVar aggregate classification (germline): Conflicting classifications of pathogenicity. Review status: criteria provided, conflicting classifications (1 of 4 stars). 9 submissions from 9 submitters: Uncertain significance (1); Likely benign (7). 1 of the submissions does not count toward it. Last evaluated 2026-08-26.

Conditions:
SPARC-related disorder. Also called: SPARC-related condition.
Osteogenesis imperfecta (OI). Identifiers: Orphanet 666, MedGen C0029434, MeSH D010013, MONDO:0019019.

Allele frequency attached by ClinVar (database versions not stated): 1000 Genomes Project 30x 0.00016; 1000 Genomes Project 0.00020; TOPMed 0.00111; gnomAD exomes 0.00135 and 0.00146; ExAC 0.00143; ESP Exome Variant Server 0.00146; gnomAD 0.00157 and 0.00165.

Submissions (9):

GeneDx
Classification: Uncertain significance. Last evaluated: 2026-08-26. Review status: criteria provided, single submitter. Criteria: GeneDx Variant Classification Process June 2021. Collection method: clinical testing. Allele origin: germline.
Comment: Reported without a second variant in an individual from a cohort of patients with familial keratoconus in published literature (PMID: 21976959); In silico analysis suggests that this missense variant does not alter protein structure/function; This variant is associated with the following publications: (PMID: 21976959)

CeGaT Center for Human Genetics Tuebingen
Classification: Likely benign. Last evaluated: 2026-06-01. Review status: criteria provided, single submitter. Criteria: CeGaT Center For Human Genetics Tuebingen Variant Classification Criteria Version 2. Collection method: clinical testing. Allele origin: germline. Affected: yes. Observed: 3 variant alleles.
Comment: SPARC: BP4

Labcorp Genetics (formerly Invitae), Labcorp
Classification: Likely benign. Last evaluated: 2026-01-26. Review status: criteria provided, single submitter. Criteria: Invitae Variant Classification Sherloc (09022015). Collection method: clinical testing. Allele origin: germline.

Women's Health and Genetics/Laboratory Corporation of America, LabCorp
Classification: Likely benign. Last evaluated: 2025-12-11. Review status: criteria provided, single submitter. Criteria: LabCorp Variant Classification Summary - May 2015. Collection method: clinical testing. Allele origin: germline.
Comment: Variant summary: SPARC c.187G>A (p.Glu63Lys) results in a conservative amino acid change in the encoded protein sequence. Algorithms developed to predict the effect of missense changes on protein structure and function are either unavailable or do not agree on the potential impact of this missense change. The variant allele was found at a frequency of 0.0015 in 1613760 control chromosomes, including 2 homozygotes, and predominantly at a frequency of 0.0027 within the Finnish subpopulation in the gnomAD database. The observed variant frequency within Finnish control individuals in the gnomAD database exceeds the estimated maximal expected allele frequency for disease-causing variants in SPARC. To our knowledge, no occurrence of c.187G>A in individuals affected with SPARC-related conditions and no experimental evidence demonstrating its impact on protein function have been reported. ClinVar contains an entry for this variant (Variation ID: 1653930). Based on the evidence outlined above, the variant was classified as likely benign.

Mayo Clinic Laboratories, Mayo Clinic
Classification: Likely benign. Last evaluated: 2025-01-14. Review status: criteria provided, single submitter. Criteria: ACMG Guidelines, 2015. Collection method: clinical testing. Allele origin: germline. Observed: 10 variant alleles.
Comment: BS2_supporting, BP4_moderate

Blueprint Genetics
Classification: Likely benign. Last evaluated: 2024-11-25. Review status: criteria provided, single submitter. Criteria: ACMG Guidelines, 2015. Collection method: clinical testing. Allele origin: germline.

Genome Diagnostics Laboratory, The Hospital for Sick Children
Classification: Likely benign for Osteogenesis imperfecta. Last evaluated: 2020-04-01. Review status: criteria provided, single submitter. Criteria: ACMG Guidelines, 2015. Collection method: clinical testing. Allele origin: germline.

Breakthrough Genomics
Classification: Likely benign. Review status: criteria provided, single submitter. Criteria: ACMG Guidelines, 2015. Collection method: not provided. Allele origin: germline. Inheritance: Autosomal recessive inheritance. Affected: yes.

PreventionGenetics, part of Exact Sciences
Classification: Likely benign for SPARC-related condition. Last evaluated: 2023-09-25. Review status: no assertion criteria provided. Collection method: clinical testing. Allele origin: germline. Not counted in ClinVar's aggregate classification.
Comment: This variant is classified as likely benign based on ACMG/AMP sequence variant interpretation guidelines (Richards et al. 2015 PMID: 25741868, with internal and published modifications).

Literature cited by the submitters: PubMed 21976959 (cited by Mayo Clinic Laboratories, Mayo Clinic).